The following is an entry in ClinVar:

ClinVar aggregate classification (germline): Likely benign (0 of 4 stars; one submission).

Conditions:
SLC10A1-related disorder. Also called: SLC10A1-related condition.

Allele frequency attached by ClinVar (database versions not stated): ExAC 0.00009; TOPMed 0.00015; gnomAD 0.00017; gnomAD exomes 0.00020; ESP Exome Variant Server 0.00038.
gnomAD v4.1: 314 of 1,614,070 alleles (0.019%); highest among the groups gnomAD compares: Non-Finnish European, 0.025%; no homozygotes.

Submission:

PreventionGenetics, part of Exact Sciences
Classification: Likely benign for SLC10A1-related condition. Last evaluated: 2021-08-10. Review status: no assertion criteria provided. Collection method: clinical testing. Allele origin: germline.
Comment: This variant is classified as likely benign based on ACMG/AMP sequence variant interpretation guidelines (Richards et al. 2015 PMID: 25741868, with internal and published modifications).

NM_003049.4(SLC10A1):c.135C>T (p.Thr45=)

Gene: SLC10A1 (solute carrier family 10 member 1; minus strand). Cytogenetic location: 14q24.1.
Variant type: single nucleotide variant.
Coding change: c.135C>T on transcript NM_003049.4 (MANE Select); coding-DNA position 135, C replaced by T.
Protein change: p.Thr45=; no amino-acid change (threonine 45 retained).
Molecular consequence: synonymous variant.
Genome position (GRCh38, 1-based): chr14:69,797,021, G>A on the plus strand (C>T on the coding strand, the complement: SLC10A1 is on the minus strand). VCF-style: chr14-69797021-G-A. GRCh37 (hg19) VCF-style: chr14-70263738-G-A.
Identifiers: ClinVar variation 3047455 (VCV003047455.2), dbSNP rs139792565, ClinGen allele CA7246276.